The following is an entry in ClinVar:

NM_006080.3(SEMA3A):c.1661GAC[1] (p.Arg555del)

Gene: SEMA3A (semaphorin 3A; minus strand). Cytogenetic location: 7q21.11.
Variant type: Microsatellite.
Coding change: c.1661GAC[1] on transcript NM_006080.3 (MANE Select); one copy of the 3-base unit GAC starting at c.1661; the reference has two copies in a row; one copy, 3 bases deleted; also written c.1664_1666del.
Protein change: p.Arg555del; deletes arginine 555.
Molecular consequence: inframe deletion.
Genome position (GRCh38, 1-based): chr7:83,977,183-83,977,185, GTC deleted on the plus strand (GAC on the coding strand, the reverse complement: SEMA3A is on the minus strand); deleting any 3 consecutive bases within chr7:83,977,183-83,977,188 gives the same sequence; the position shown is the placement nearest the transcript's 3' end. VCF-style (leftmost placement, unchanged base first): chr7-83977182-TGTC-T. GRCh37 (hg19) VCF-style: chr7-83606498-TGTC-T.
Other names: c.1664_1666del (NM_006080.3); short protein forms R555del.
Identifiers: ClinVar variation 5019967 (VCV005019967.2).

ClinVar aggregate classification (germline): Uncertain significance (1 of 4 stars; one submission).

Conditions:
Hypogonadotropic hypogonadism 16 with or without anosmia (HH16). Also called: HYPOGONADOTROPIC HYPOGONADISM 16 WITH ANOSMIA, SUSCEPTIBILITY TO. Identifiers: Orphanet 478, MedGen C3554021, MONDO:0013961, OMIM 614897.

Submission:

Juno Genomics, Hangzhou Juno Genomics, Inc
Classification: Uncertain significance for Hypogonadotropic hypogonadism 16 with or without anosmia. Review status: criteria provided, single submitter. Criteria: ACMG Guidelines, 2015. Collection method: clinical testing. Allele origin: germline.
Comment: Absent from controls (or at extremely low frequency if recessive) in Genome Aggregation Database.;Protein length changes due to in-frame deletions/insertions in a non-repeat region or stop-loss variants.